The following is an entry in ClinVar:

NM_001369369.1(FOXN1):c.937G>A (p.Asp313Asn)

Gene: FOXN1 (forkhead box N1; plus strand). Cytogenetic location: 17q11.2.
Variant type: single nucleotide variant.
Coding change: c.937G>A on transcript NM_001369369.1 (MANE Select); coding-DNA position 937, G replaced by A.
Protein change: p.Asp313Asn; replaces aspartic acid 313 with asparagine.
Molecular consequence: missense variant.
Genome position (GRCh38, 1-based): chr17:28,534,340, G>A. VCF-style: chr17-28534340-G-A. GRCh37 (hg19) VCF-style: chr17-26861358-G-A.
Other names: c.937G>A, p.Asp313Asn (NM_003593.3); short protein forms D313N.
Identifiers: ClinVar variation 1513384 (VCV001513384.5), dbSNP rs561636659, ClinGen allele CA8459413.

ClinVar aggregate classification (germline): Uncertain significance (1 of 4 stars; one submission).

Conditions:
T-cell immunodeficiency, congenital alopecia, and nail dystrophy. Also called: Congenital alopecia and nail dystrophy associated with severe functional T-cell immunodeficiency; Pignata Guarino syndrome. Identifiers: Orphanet 169095, MedGen C1866426, MONDO:0011132, OMIM 601705.

Allele frequency attached by ClinVar (database versions not stated): ExAC 0.00001; gnomAD 0.00001; gnomAD exomes 0.00001 and 0.00002; 1000 Genomes Project 30x 0.00016; 1000 Genomes Project 0.00020.

Submission:

Labcorp Genetics (formerly Invitae), Labcorp
Classification: Uncertain significance for T-cell immunodeficiency, congenital alopecia, and nail dystrophy. Last evaluated: 2021-08-13. Review status: criteria provided, single submitter. Criteria: Invitae Variant Classification Sherloc (09022015). Collection method: clinical testing. Allele origin: germline.
Comment: This sequence change replaces aspartic acid with asparagine at codon 313 of the FOXN1 protein (p.Asp313Asn). The aspartic acid residue is highly conserved and there is a small physicochemical difference between aspartic acid and asparagine. This variant is present in population databases (rs561636659, ExAC 0.006%). This variant has not been reported in the literature in individuals affected with FOXN1-related conditions. Algorithms developed to predict the effect of missense changes on protein structure and function (SIFT, PolyPhen-2, Align-GVGD) all suggest that this variant is likely to be tolerated. In summary, the available evidence is currently insufficient to determine the role of this variant in disease. Therefore, it has been classified as a Variant of Uncertain Significance.